The following is an entry in ClinVar:

NM_030958.3(SLCO5A1):c.911T>A (p.Ile304Asn)

Gene: SLCO5A1 (solute carrier organic anion transporter family member 5A1; minus strand). Cytogenetic location: 8q13.3.
Variant type: single nucleotide variant.
Coding change: c.911T>A on transcript NM_030958.3 (MANE Select); coding-DNA position 911, T replaced by A.
Protein change: p.Ile304Asn; replaces isoleucine 304 with asparagine.
Molecular consequence: missense variant.
Genome position (GRCh38, 1-based): chr8:69,761,872, A>T on the plus strand (T>A on the coding strand, the complement: SLCO5A1 is on the minus strand). VCF-style: chr8-69761872-A-T. GRCh37 (hg19) VCF-style: chr8-70674107-A-T.
Other names: c.911T>A, p.Ile304Asn (NM_001146008.2, NM_001146009.1); short protein forms I304N.
Identifiers: ClinVar variation 3692837 (VCV003692837.2).
Genomic context (GRCh38, chr8:69,761,872, plus strand): 5'-ATAAGAAGTCCACCTAATAAATATCCCACTGCAGGGCCAAGTGCTCCCATGACATACATG[A>T]TGGCTGAGAAGACAGAAGGGGAAATGTGAAATACAGCGACGTTTTATTACATGTTAGGAG-3'
Protein context (NP_112220.2, residues 294-314): KKENSSLYLA[Ile304Asn]MYVMGALGPA

ClinVar aggregate classification (germline): Uncertain significance (1 of 4 stars; one submission).

gnomAD v4.1: 1 of 1,611,670 alleles (0.000062%); highest among the groups gnomAD compares: African/African-American, 0.0013%; no homozygotes.

Submission:

Labcorp Genetics (formerly Invitae), Labcorp
Classification: Uncertain significance. Last evaluated: 2024-10-01. Review status: criteria provided, single submitter. Criteria: Invitae Variant Classification Sherloc (09022015). Collection method: clinical testing. Allele origin: germline.
Comment: This sequence change replaces isoleucine, which is neutral and non-polar, with asparagine, which is neutral and polar, at codon 304 of the SLCO5A1 protein (p.Ile304Asn). The frequency data for this variant in the population databases is considered unreliable, as metrics indicate poor data quality at this position in the gnomAD database. This variant has not been reported in the literature in individuals affected with SLCO5A1-related conditions. An algorithm developed to predict the effect of missense changes on protein structure and function (PolyPhen-2) suggests that this variant is likely to be disruptive. In summary, the available evidence is currently insufficient to determine the role of this variant in disease. Therefore, it has been classified as a Variant of Uncertain Significance.